The following is an entry in ClinVar:

NM_000553.6(WRN):c.107G>A (p.Arg36Gln)

Gene: WRN (WRN RecQ like helicase; plus strand). Cytogenetic location: 8p12.
Variant type: single nucleotide variant.
Coding change: c.107G>A on transcript NM_000553.6 (MANE Select); coding-DNA position 107, G replaced by A.
Protein change: p.Arg36Gln; replaces arginine 36 with glutamine.
Molecular consequence: missense variant.
Genome position (GRCh38, 1-based): chr8:31,059,163, G>A. VCF-style: chr8-31059163-G-A. GRCh37 (hg19) VCF-style: chr8-30916679-G-A.
Other names: short protein forms R36Q.
Identifiers: ClinVar variation 135432 (VCV000135432.21), dbSNP rs34084741, ClinGen allele CA162746.

ClinVar aggregate classification (germline): Conflicting classifications of pathogenicity. Review status: criteria provided, conflicting classifications (1 of 4 stars). 7 submissions from 7 submitters: Uncertain significance (1); Likely benign (4). 2 of the submissions do not count toward it. Last evaluated 2026-01-28.

Conditions:
WRN-related disorder. Also called: WRN-related condition.
Wiskott-Aldrich syndrome (WAS). Also called: Wiskott-aldrich syndrome, somatic; WISKOTT-ALDRICH SYNDROME 1; ALDRICH SYNDROME; IMMUNODEFICIENCY 2. Identifiers: Orphanet 906, MedGen C0043194, MONDO:0010518, OMIM 301000.
Werner syndrome (WRN). Identifiers: Orphanet 902, MedGen C0043119, MONDO:0010196, OMIM 277700.

Allele frequency attached by ClinVar (database versions not stated): gnomAD exomes 0.00007 and 0.00019; ExAC 0.00025; 1000 Genomes Project 0.00080; TOPMed 0.00080; gnomAD 0.00088 and 0.00091; ESP Exome Variant Server 0.00092; 1000 Genomes Project 30x 0.00125.
gnomAD v4.1: 243 of 1,613,470 alleles (0.015%); highest among the groups gnomAD compares: African/African-American, 0.3%; no homozygotes.

Submissions (7):

Labcorp Genetics (formerly Invitae), Labcorp
Classification: Likely benign for Werner syndrome. Last evaluated: 2026-01-28. Review status: criteria provided, single submitter. Criteria: Invitae Variant Classification Sherloc (09022015). Collection method: clinical testing. Allele origin: germline.

Blueprint Genetics
Classification: Likely benign. Last evaluated: 2023-12-13. Review status: criteria provided, single submitter. Criteria: ACMG Guidelines, 2015. Collection method: clinical testing. Allele origin: germline.

KCCC/NGS Laboratory, Kuwait Cancer Control Center
Classification: Likely benign for Wiskott-Aldrich syndrome. Last evaluated: 2023-07-07. Review status: criteria provided, single submitter. Criteria: ACMG Guidelines, 2015. Collection method: clinical testing. Allele origin: germline. Affected: yes.

GeneDx
Classification: Likely benign. Last evaluated: 2020-10-08. Review status: criteria provided, single submitter. Criteria: GeneDx Variant Classification Process June 2021. Collection method: clinical testing. Allele origin: germline. Affected: yes.
Comment: This variant is associated with the following publications: (PMID: 24728327)

Eurofins Ntd Llc (ga)
Classification: Uncertain significance. Last evaluated: 2018-05-17. Review status: criteria provided, single submitter. Criteria: EGL ClinVar v180209 classification definitions. Collection method: clinical testing. Allele origin: germline. Observed: 1 variant allele, 1 heterozygote.

PreventionGenetics, part of Exact Sciences
Classification: Likely benign for WRN-related condition. Last evaluated: 2022-05-26. Review status: no assertion criteria provided. Collection method: clinical testing. Allele origin: germline. Not counted in ClinVar's aggregate classification.
Comment: This variant is classified as likely benign based on ACMG/AMP sequence variant interpretation guidelines (Richards et al. 2015 PMID: 25741868, with internal and published modifications).

ITMI
No classification provided. Condition: AllHighlyPenetrant. Last evaluated: 2013-09-19. Review status: no classification provided. Collection method: reference population. Allele origin: germline. Not counted in ClinVar's aggregate classification.
Comment: Please see associated publication for description of ethnicities

Literature cited by the submitters: PubMed 24728327 (cited by ITMI).